The following is an entry in ClinVar:

ClinVar aggregate classification (germline): Uncertain significance (1 of 4 stars; one submission).

Conditions:
Cardiovascular phenotype. Identifiers: MedGen CN230736.

Submission:

Ambry Genetics
Classification: Uncertain significance for Cardiovascular phenotype. Last evaluated: 2025-09-12. Review status: criteria provided, single submitter. Criteria: Ambry Variant Classification Scheme 2023. Collection method: clinical testing. Allele origin: germline.
Comment: The p.F443S variant (also known as c.1328T>C), located in coding exon 10 of the EFEMP2 gene, results from a T to C substitution at nucleotide position 1328. The phenylalanine at codon 443 is replaced by serine, an amino acid with highly dissimilar properties. This amino acid position is conserved. In addition, this alteration is predicted to be deleterious by in silico analysis. Based on the available evidence, the clinical significance of this variant remains unclear.

NM_016938.5(EFEMP2):c.1328T>C (p.Phe443Ser)

Genes: MUS81 (MUS81 structure-specific endonuclease subunit; plus strand), EFEMP2 (EGF-like fibulin extracellular matrix protein 2; minus strand). Cytogenetic location: 11q13.1.
Variant type: single nucleotide variant.
Coding change: c.1328T>C on transcript NM_016938.5 (MANE Select); coding-DNA position 1328, T replaced by C.
Protein change: p.Phe443Ser; replaces phenylalanine 443 with serine.
Molecular consequence: missense variant. On other transcripts: non-coding transcript variant (1).
Genome position (GRCh38, 1-based): chr11:65,866,922, A>G on the plus strand (T>C on the coding strand, the complement: EFEMP2 is on the minus strand). VCF-style: chr11-65866922-A-G. GRCh37 (hg19) VCF-style: chr11-65634393-A-G.
Other names: short protein forms F443S.
Identifiers: ClinVar variation 4247055 (VCV004247055.1).